The following is an entry in ClinVar:

ClinVar aggregate classification (germline): Uncertain significance (1 of 4 stars; one submission).

Allele frequency attached by ClinVar (database versions not stated): ExAC 0.00001; gnomAD exomes 0.00001; TOPMed 0.00001; gnomAD 0.00003; ESP Exome Variant Server 0.00008.
gnomAD v4.1: 12 of 1,613,976 alleles (0.00074%); highest among the groups gnomAD compares: African/African-American, 0.004%; no homozygotes.

Submission:

GeneDx
Classification: Uncertain significance. Last evaluated: 2024-12-08. Review status: criteria provided, single submitter. Criteria: GeneDx Variant Classification Process June 2021. Collection method: clinical testing. Allele origin: germline. Affected: yes.
Comment: In silico analysis supports that this missense variant has a deleterious effect on protein structure/function; Has not been previously published as pathogenic or benign to our knowledge; Not observed at significant frequency in large population cohorts (gnomAD)

NM_014991.6(WDFY3):c.10220A>G (p.Asn3407Ser)

Gene: WDFY3 (WD repeat and FYVE domain containing 3; minus strand). Cytogenetic location: 4q21.23.
Variant type: single nucleotide variant.
Coding change: c.10220A>G on transcript NM_014991.6 (MANE Select); coding-DNA position 10220, A replaced by G.
Protein change: p.Asn3407Ser; replaces asparagine 3407 with serine.
Molecular consequence: missense variant.
Genome position (GRCh38, 1-based): chr4:84,678,207, T>C on the plus strand (A>G on the coding strand, the complement: WDFY3 is on the minus strand). VCF-style: chr4-84678207-T-C. GRCh37 (hg19) VCF-style: chr4-85599360-T-C.
Other names: short protein forms N3407S.
Identifiers: ClinVar variation 2443427 (VCV002443427.2), dbSNP rs372009554, ClinGen allele CA2991978.